The following is an entry in ClinVar:

NM_001195.5(BFSP1):c.1041A>G (p.Lys347=)

Gene: BFSP1 (beaded filament structural protein 1; minus strand). Cytogenetic location: 20p12.1.
Variant type: single nucleotide variant.
Coding change: c.1041A>G on transcript NM_001195.5 (MANE Select); coding-DNA position 1041, A replaced by G.
Protein change: p.Lys347=; no amino-acid change (lysine 347 retained).
Molecular consequence: synonymous variant.
Genome position (GRCh38, 1-based): chr20:17,496,939, T>C on the plus strand (A>G on the coding strand, the complement: BFSP1 is on the minus strand). VCF-style: chr20-17496939-T-C. GRCh37 (hg19) VCF-style: chr20-17477584-T-C.
Other names: c.666A>G, p.Lys222= (NM_001161705.2); c.624A>G, p.Lys208= (NM_001278606.2, NM_001278608.2); c.708A>G, p.Lys236= (NM_001278607.2); c.933A>G, p.Lys311= (NM_001424338.1).
Identifiers: ClinVar variation 4883734 (VCV004883734.2).
Genomic context (GRCh38, chr20:17,496,939, plus strand): 5'-AGCCGCTTGGTTTTTTTCAAGACAGAAAAAAACAGAAGTCCAGTGTTGGGGAGCGTTACC[T>C]TTCCCACCGGATCCAGTGCTGAGAGAGACTCCATGGCTCTGGGTGAACAGGGGAATGGGA-3'
Protein context (NP_001186.1, residues 337-357): GVSLSTGSGG[Lys347=]DLTRALQDIT

ClinVar aggregate classification (germline): Uncertain significance (1 of 4 stars; one submission).

Conditions:
Cataract 33. Also called: CATARACT 33, CORTICAL. Identifiers: Orphanet 91492, MedGen C3808107, MONDO:0012665, OMIM 611391.

Submission:

Dasa
Classification: Uncertain significance for Cataract 33. Last evaluated: 2026-04-22. Review status: criteria provided, single submitter. Criteria: DASA Assertion Criteria. Collection method: clinical testing. Allele origin: germline.
Comment: NM_001195.5(BFSP1):c.1041A>G (p.Lys347=) is a synonymous variant predicted not to alter the encoded amino acid sequence. This variant is rare in population databases. Computational prediction algorithms are consistent with a deleterious effect. The currently available literature and clinical evidence are not sufficient to establish a definitive association between this variant and the reported condition. Therefore, this variant is classified as a variant of uncertain significance.